The following is an entry in ClinVar:

ClinVar aggregate classification (germline): Uncertain significance (1 of 4 stars; one submission).

Submission:

Labcorp Genetics (formerly Invitae), Labcorp
Classification: Uncertain significance. Last evaluated: 2021-12-27. Review status: criteria provided, single submitter. Criteria: Invitae Variant Classification Sherloc (09022015). Collection method: clinical testing. Allele origin: germline.
Comment: In summary, the available evidence is currently insufficient to determine the role of this variant in disease. Therefore, it has been classified as a Variant of Uncertain Significance. Algorithms developed to predict the effect of missense changes on protein structure and function are either unavailable or do not agree on the potential impact of this missense change (SIFT: "Deleterious"; PolyPhen-2: "Benign"; Align-GVGD: "Class C0"). This variant has not been reported in the literature in individuals affected with KIF1BP-related conditions. This variant is not present in population databases (gnomAD no frequency). This sequence change replaces isoleucine, which is neutral and non-polar, with asparagine, which is neutral and polar, at codon 106 of the KIF1BP protein (p.Ile106Asn).

NM_015634.4(KIFBP):c.317T>A (p.Ile106Asn)

Gene: KIFBP (kinesin family binding protein; plus strand). Cytogenetic location: 10q22.1.
Variant type: single nucleotide variant.
Coding change: c.317T>A on transcript NM_015634.4 (MANE Select); coding-DNA position 317, T replaced by A.
Protein change: p.Ile106Asn; replaces isoleucine 106 with asparagine.
Molecular consequence: missense variant.
Genome position (GRCh38, 1-based): chr10:68,989,149, T>A. VCF-style: chr10-68989149-T-A. GRCh37 (hg19) VCF-style: chr10-70748905-T-A.
Other names: short protein forms I106N.
Identifiers: ClinVar variation 2062843 (VCV002062843.4), dbSNP rs912912274, ClinGen allele CA376899222.